The following is an entry in ClinVar:

ClinVar aggregate classification (germline): Benign/Likely benign. Review status: criteria provided, multiple submitters, no conflicts (2 of 4 stars). 2 submissions from 2 submitters: Benign (1); Likely benign (1). Last evaluated 2018-08-06.

Conditions:
NAFLD1 (FLD1). Also called: FATTY LIVER DISEASE, SUSCEPTIBILITY TO, 1; Fatty liver disease, nonalcoholic 1. Identifiers: MedGen C2750440, MONDO:0021105, OMIM 613282.

Allele frequency attached by ClinVar (database versions not stated): gnomAD 0.00369 and 0.00396; ESP Exome Variant Server 0.00400; TOPMed 0.00414; 1000 Genomes Project 30x 0.00484; 1000 Genomes Project 0.00499.
gnomAD v4.1: 1,313 of 1,613,668 alleles (0.081%); highest among the groups gnomAD compares: African/African-American, 1.3%; 4 homozygotes.

Submissions (2):

Labcorp Genetics (formerly Invitae), Labcorp
Classification: Benign. Last evaluated: 2018-08-06. Review status: criteria provided, single submitter. Criteria: Invitae Variant Classification Sherloc (09022015). Collection method: clinical testing. Allele origin: germline.

Illumina Laboratory Services, Illumina
Classification: Likely benign for NAFLD1. Last evaluated: 2018-01-13. Review status: criteria provided, single submitter. Criteria: ICSL Variant Classification Criteria 13 December 2019. Collection method: clinical testing. Allele origin: germline.
Comment: This variant was observed in the ICSL laboratory as part of a predisposition screen in an ostensibly healthy population. It had not been previously curated by ICSL or reported in the Human Gene Mutation Database (HGMD: prior to June 1st, 2018), and was therefore a candidate for classification through an automated scoring system. Utilizing variant allele frequency, disease prevalence and penetrance estimates, and inheritance mode, an automated score was calculated to assess if this variant is too frequent to cause the disease. Based on the score and internal cut-off values, a variant classified as likely benign is not then subjected to further curation. The score for this variant resulted in a classification of likely benign for this disease.

NM_025225.3(PNPLA3):c.972C>T (p.Leu324=)

Gene: PNPLA3 (patatin like domain 3, 1-acylglycerol-3-phosphate O-acyltransferase; plus strand). Cytogenetic location: 22q13.31.
Variant type: single nucleotide variant.
Coding change: c.972C>T on transcript NM_025225.3 (MANE Select); coding-DNA position 972, C replaced by T.
Protein change: p.Leu324=; no amino-acid change (leucine 324 retained).
Molecular consequence: synonymous variant.
Genome position (GRCh38, 1-based): chr22:43,937,265, C>T. VCF-style: chr22-43937265-C-T. GRCh37 (hg19) VCF-style: chr22-44333145-C-T.
Identifiers: ClinVar variation 341937 (VCV000341937.8), dbSNP rs116679026, ClinGen allele CA10278114.
Genomic context (GRCh38, chr22:43,937,265, plus strand): 5'-CCTGCGTCTCAGCATCCTGCCCTGGGATGAGAGCATCCTGGACACCCTCTCGCCCAGGCT[C>T]GCTACAGGTACCCACTCCTCGGGGTGAGCACGGGCAGCACCTTGTTTTCTTTCTTGTGCA-3'
Protein context (NP_079501.2, residues 314-334): ESILDTLSPR[Leu324=]ATALSEEMKD